The following is an entry in ClinVar:

NM_000234.3(LIG1):c.587C>T (p.Pro196Leu)

Gene: LIG1 (DNA ligase 1; minus strand). Cytogenetic location: 19q13.33.
Variant type: single nucleotide variant.
Coding change: c.587C>T on transcript NM_000234.3 (MANE Select); coding-DNA position 587, C replaced by T.
Protein change: p.Pro196Leu; replaces proline 196 with leucine.
Molecular consequence: missense variant. On other transcripts: non-coding transcript variant (6).
Genome position (GRCh38, 1-based): chr19:48,150,198, G>A on the plus strand (C>T on the coding strand, the complement: LIG1 is on the minus strand). VCF-style: chr19-48150198-G-A. GRCh37 (hg19) VCF-style: chr19-48653455-G-A.
Other names: c.587C>T (NM_000234.1); c.494C>T, p.Pro165Leu (NM_001289063.2); c.383C>T, p.Pro128Leu (NM_001289064.2); c.584C>T, p.Pro195Leu (NM_001320970.2); c.497C>T, p.Pro166Leu (NM_001320971.2); short protein forms P165L, P166L, P196L, P128L, P195L.
Identifiers: ClinVar variation 1367423 (VCV001367423.9), dbSNP rs377419114, ClinGen allele CA9547204.

ClinVar aggregate classification (germline): Uncertain significance. Review status: criteria provided, multiple submitters, no conflicts (2 of 4 stars). 2 submissions from 2 submitters: Uncertain significance (2). Last evaluated 2025-11-12.

Allele frequency attached by ClinVar (database versions not stated): gnomAD 0.00003 and 0.00007; gnomAD exomes 0.00006; TOPMed 0.00009.
gnomAD v4.1: 54 of 1,614,018 alleles (0.0033%); highest among the groups gnomAD compares: Middle Eastern, 0.049%; 1 homozygote.

Submissions (2):

Labcorp Genetics (formerly Invitae), Labcorp
Classification: Uncertain significance. Last evaluated: 2025-11-12. Review status: criteria provided, single submitter. Criteria: Invitae Variant Classification Sherloc (09022015). Collection method: clinical testing. Allele origin: germline.
Comment: This sequence change replaces proline, which is neutral and non-polar, with leucine, which is neutral and non-polar, at codon 196 of the LIG1 protein (p.Pro196Leu). This variant is present in population databases (rs377419114, gnomAD 0.01%). This variant has not been reported in the literature in individuals affected with LIG1-related conditions. ClinVar contains an entry for this variant (Variation ID: 1367423). An algorithm developed to predict the effect of missense changes on protein structure and function outputs the following: PolyPhen-2: "Benign". The leucine amino acid residue is found in multiple mammalian species, which suggests that this missense change does not adversely affect protein function. In summary, the available evidence is currently insufficient to determine the role of this variant in disease. Therefore, it has been classified as a Variant of Uncertain Significance.

Ambry Genetics
Classification: Uncertain significance. Last evaluated: 2025-04-11. Review status: criteria provided, single submitter. Criteria: Ambry Variant Classification Scheme 2023. Collection method: clinical testing. Allele origin: germline.